The following is an entry in ClinVar:

NM_000138.5(FBN1):c.2291T>C (p.Val764Ala)

Gene: FBN1 (fibrillin 1; minus strand). Cytogenetic location: 15q21.1.
Variant type: single nucleotide variant.
Coding change: c.2291T>C on transcript NM_000138.5 (MANE Select); coding-DNA position 2291, T replaced by C.
Protein change: p.Val764Ala; replaces valine 764 with alanine.
Molecular consequence: missense variant.
Genome position (GRCh38, 1-based): chr15:48,497,268, A>G on the plus strand (T>C on the coding strand, the complement: FBN1 is on the minus strand). VCF-style: chr15-48497268-A-G. GRCh37 (hg19) VCF-style: chr15-48789465-A-G.
Other names: c.2291T>C, p.Val764Ala (NM_001406716.1); short protein forms V764A.
Identifiers: ClinVar variation 3070189 (VCV003070189.1), dbSNP rs771050088, ClinGen allele CA047321.
Genomic context (GRCh38, chr15:48,497,268, plus strand): 5'-ATGAAAGAAGGAATGCATTATGCAGGCAATGTTTCAGAAAATGGGTAAAACTTCTCACCA[A>G]CGCAGTTTTTCCCAGTTGAATCCACTTCATATCCTGAATTGCATATACATTTATAGGTCC-3'
Protein context (NP_000129.3, residues 754-774): YEVDSTGKNC[Val764Ala]DINECVLNSL

ClinVar aggregate classification (germline): Uncertain significance (1 of 4 stars; one submission).

Conditions:
Marfan syndrome (MFS). Also called: MARFAN SYNDROME, TYPE I; Marfan syndrome type 1; Marfan's syndrome; Marfan syndrome, classic; FBN1-Related Marfan Syndrome. Identifiers: Orphanet 284963, Orphanet 558, MedGen C0024796, MONDO:0007947, OMIM 154700.

Allele frequency attached by ClinVar (database versions not stated): gnomAD exomes below 0.00001; ExAC 0.00001.
gnomAD v4.1: 1 of 1,614,074 alleles (0.000062%); highest among the groups gnomAD compares: Non-Finnish European, 0.000085%; no homozygotes.

Submission:

All of Us Research Program, National Institutes of Health
Classification: Uncertain significance for Marfan syndrome. Last evaluated: 2023-04-03. Review status: criteria provided, single submitter. Criteria: ACMG Guidelines, 2015. Collection method: clinical testing. Allele origin: germline. Inheritance: Autosomal dominant inheritance. Observed: 1 variant allele, 1 heterozygote.
Comment: This missense variant replaces valine with alanine at codon 764 of the FBN1 protein. Computational prediction suggests that this variant may not impact protein structure and function (internally defined REVEL score threshold <= 0.5, PMID: 27666373). To our knowledge, functional studies have not been reported for this variant. This variant has not been reported in individuals affected with FBN1-related disorders in the literature. This variant has been identified in 1/251436 chromosomes in the general population by the Genome Aggregation Database (gnomAD). The available evidence is insufficient to determine the role of this variant in disease conclusively. Therefore, this variant is classified as a Variant of Uncertain Significance.

This study involves interpretation of variants in research participants for the purpose of population health screening. Participant phenotype was not available at the time of variant classification. Additional details can be found in publication PMID: 35346344, PMCID: PMC8962531